The following is an entry in ClinVar:

NM_003482.4(KMT2D):c.9932A>G (p.Gln3311Arg)

Gene: KMT2D (lysine methyltransferase 2D; minus strand). Cytogenetic location: 12q13.12.
Variant type: single nucleotide variant.
Coding change: c.9932A>G on transcript NM_003482.4 (MANE Select); coding-DNA position 9932, A replaced by G.
Protein change: p.Gln3311Arg; replaces glutamine 3311 with arginine.
Molecular consequence: missense variant.
Genome position (GRCh38, 1-based): chr12:49,037,424, T>C on the plus strand (A>G on the coding strand, the complement: KMT2D is on the minus strand). VCF-style: chr12-49037424-T-C. GRCh37 (hg19) VCF-style: chr12-49431207-T-C.
Other names: short protein forms Q3311R.
Identifiers: ClinVar variation 3625222 (VCV003625222.5).

ClinVar aggregate classification (germline): Conflicting classifications of pathogenicity. Review status: criteria provided, conflicting classifications (1 of 4 stars). 4 submissions from 4 submitters: Uncertain significance (2); Benign (1); Likely benign (1). Last evaluated 2026-06-18.

Conditions:
KMT2D-related disorder. Also called: KMT2D-Related Disorders.
Inborn genetic diseases. Identifiers: MedGen C0950123, MeSH D030342.
Kabuki syndrome. Also called: Kabuki make-up syndrome; NIIKAWA-KUROKI SYNDROME. Identifiers: Orphanet 2322, MedGen C0796004, MONDO:0016512.

gnomAD v4.1: 106 of 1,597,708 alleles (0.0066%); highest among the groups gnomAD compares: Non-Finnish European, 0.009%; no homozygotes.

Submissions (4):

Women's Health and Genetics/Laboratory Corporation of America, LabCorp
Classification: Uncertain significance. Last evaluated: 2026-06-18. Review status: criteria provided, single submitter. Criteria: LabCorp Variant Classification Summary - May 2015. Collection method: clinical testing. Allele origin: germline.
Comment: Variant summary: KMT2D c.9932A>G (p.Gln3311Arg) results in a conservative amino acid change in the encoded protein sequence. Algorithms developed to predict the effect of missense changes on protein structure and function all suggest that this variant is likely to be tolerated. The variant allele was found at a frequency of 1.8e-05 in 219864 control chromosomes (gnomAD). The available data on variant occurrences in the general population are insufficient to allow any conclusion about variant significance. c.9932A>G has been observed in individuals affected with congenital heart disease (Sierant_2025). The report does not provide unequivocal conclusions about association of the variant with disease. To our knowledge, no experimental evidence demonstrating an impact on protein function has been reported. The following publication have been ascertained in the context of this evaluation (PMID: 40127276). ClinVar contains an entry for this variant (Variation ID: 3625222). Based on the evidence outlined above, the variant was classified as uncertain significance.

Ambry Genetics
Classification: Likely benign for Inborn genetic diseases. Last evaluated: 2025-08-10. Review status: criteria provided, single submitter. Criteria: Ambry Variant Classification Scheme 2023. Collection method: clinical testing. Allele origin: germline.

Labcorp Genetics (formerly Invitae), Labcorp
Classification: Benign for Kabuki syndrome. Last evaluated: 2025-05-14. Review status: criteria provided, single submitter. Criteria: Invitae Variant Classification Sherloc (09022015). Collection method: clinical testing. Allele origin: germline.

PreventionGenetics, part of Exact Sciences
Classification: Uncertain significance for KMT2D-related condition. Last evaluated: 2025-04-04. Review status: criteria provided, single submitter. Criteria: ACMG Guidelines, 2015. Collection method: clinical testing. Allele origin: germline.
Comment: The KMT2D c.9932A>G variant is predicted to result in the amino acid substitution p.Gln3311Arg. To our knowledge, this variant has not been reported in the literature. This variant is reported in 0.0044% of alleles in individuals of European (Non-Finnish) descent in gnomAD. Although we suspect that this variant may be benign, at this time, the clinical significance of this variant is uncertain due to the absence of conclusive functional and genetic evidence.

Literature cited by the submitters: PubMed 40127276 (cited by Women's Health and Genetics/Laboratory Corporation of America, LabCorp).